The following is an entry in ClinVar:

ClinVar aggregate classification (germline): Likely pathogenic. Review status: criteria provided, multiple submitters, no conflicts (2 of 4 stars). 4 submissions from 4 submitters: Likely pathogenic (3). 1 of the submissions does not count toward it. Last evaluated 2025-05-11.

Conditions:
Carnitine acylcarnitine translocase deficiency (CACTD). Identifiers: Orphanet 159, MedGen C0342791, MONDO:0008918, OMIM 212138.
SLC25A20-related disorder. Also called: SLC25A20-related condition.

Allele frequency attached by ClinVar (database versions not stated): gnomAD exomes 0.00001 and 0.00003; ExAC 0.00005; gnomAD 0.00021 and 0.00022; TOPMed 0.00023; ESP Exome Variant Server 0.00038.
gnomAD v4.1: 39 of 1,610,702 alleles (0.0024%); highest among the groups gnomAD compares: African/African-American, 0.052%; no homozygotes.

Submissions (4):

Labcorp Genetics (formerly Invitae), Labcorp
Classification: Likely pathogenic for Carnitine acylcarnitine translocase deficiency. Last evaluated: 2025-05-11. Review status: criteria provided, single submitter. Criteria: Invitae Variant Classification Sherloc (09022015). Collection method: clinical testing. Allele origin: germline.
Comment: This sequence change affects a donor splice site in intron 2 of the SLC25A20 gene. It is expected to disrupt RNA splicing. Variants that disrupt the donor or acceptor splice site typically lead to a loss of protein function (PMID: 16199547), and loss-of-function variants in SLC25A20 are known to be pathogenic (PMID: 25614308). This variant is present in population databases (rs147540030, gnomAD 0.06%). This variant has not been reported in the literature in individuals affected with SLC25A20-related conditions. ClinVar contains an entry for this variant (Variation ID: 936127). Algorithms developed to predict the effect of sequence changes on RNA splicing suggest that this variant may disrupt the consensus splice site. In summary, the currently available evidence indicates that the variant is pathogenic, but additional data are needed to prove that conclusively. Therefore, this variant has been classified as Likely Pathogenic.

Fulgent Genetics
Classification: Likely pathogenic for Carnitine acylcarnitine translocase deficiency. Last evaluated: 2024-04-28. Review status: criteria provided, single submitter. Criteria: ACMG Guidelines, 2015. Collection method: clinical testing. Allele origin: germline.

Women's Health and Genetics/Laboratory Corporation of America, LabCorp
Classification: Likely pathogenic for Carnitine acylcarnitine translocase deficiency. Last evaluated: 2024-01-11. Review status: criteria provided, single submitter. Criteria: LabCorp Variant Classification Summary - May 2015. Collection method: clinical testing. Allele origin: germline.
Comment: Variant summary: SLC25A20 c.198+2T>C is located in a canonical splice-site and is predicted to affect mRNA splicing resulting in a significantly altered protein due to either exon skipping, shortening, or inclusion of intronic material. Several computational tools predict a significant impact on normal splicing: three predict the variant abolishes a 5' splicing donor site. However, these predictions have yet to be confirmed by functional studies. The variant allele was found at a frequency of 3.2e-05 in 251492 control chromosomes (gnomAD). The available data on variant occurrences in the general population are insufficient to allow any conclusion about variant significance. To our knowledge, no occurrence of c.198+2T>C in individuals affected with Carnitine-Acylcarnitine Translocase Deficiency and no experimental evidence demonstrating its impact on protein function have been reported. ClinVar contains an entry for this variant (Variation ID: 936127). Based on the evidence outlined above, the variant was classified as likely pathogenic.

PreventionGenetics, part of Exact Sciences
Classification: Likely pathogenic for SLC25A20-related condition. Last evaluated: 2024-09-10. Review status: no assertion criteria provided. Collection method: clinical testing. Allele origin: germline. Not counted in ClinVar's aggregate classification.
Comment: The SLC25A20 c.198+2T>C variant is predicted to disrupt the GT donor site and interfere with normal splicing. To our knowledge, this variant has not been reported in the literature. This variant is reported in 0.056% of alleles in individuals of African descent in gnomAD. Variants that disrupt the consensus splice donor site in SLC25A20 are expected to be pathogenic. This variant is interpreted as likely pathogenic.

Literature cited by the submitters: PubMed 16199547 (cited by Labcorp Genetics (formerly Invitae), Labcorp); PubMed 25614308 (cited by Labcorp Genetics (formerly Invitae), Labcorp).

NM_000387.6(SLC25A20):c.198+2T>C

Gene: SLC25A20 (solute carrier family 25 member 20; minus strand). Cytogenetic location: 3p21.31.
Variant type: single nucleotide variant.
Coding change: c.198+2T>C on transcript NM_000387.6 (MANE Select); the canonical splice donor site of the intron after coding-DNA position 198, T replaced by C.
Molecular consequence: splice donor variant.
Genome position (GRCh38, 1-based): chr3:48,891,978, A>G on the plus strand (T>C on the coding strand, the complement: SLC25A20 is on the minus strand). VCF-style: chr3-48891978-A-G. GRCh37 (hg19) VCF-style: chr3-48929411-A-G.
Identifiers: ClinVar variation 936127 (VCV000936127.15), dbSNP rs147540030, ClinGen allele CA2387481.